The following is an entry in ClinVar:

NM_018238.4(AGK):c.976-250T>C

Gene: AGK (acylglycerol kinase; plus strand). Cytogenetic location: 7q34.
Variant type: single nucleotide variant.
Coding change: c.976-250T>C on transcript NM_018238.4 (MANE Select); 250 bases into the intron before coding-DNA position 976, T replaced by C.
Molecular consequence: intron variant.
Genome position (GRCh38, 1-based): chr7:141,649,013, T>C. VCF-style: chr7-141649013-T-C. GRCh37 (hg19) VCF-style: chr7-141348813-T-C.
Other names: c.976-250T>C (NM_001364948.3).
Identifiers: ClinVar variation 669760 (VCV000669760.1), dbSNP rs34103037, ClinGen allele CA15485723.

ClinVar aggregate classification (germline): Likely benign (1 of 4 stars; one submission).

Allele frequency attached by ClinVar (database versions not stated): gnomAD exomes 0.02225; gnomAD 0.02720 and 0.03088; TOPMed 0.02976; 1000 Genomes Project 0.05351; 1000 Genomes Project 30x 0.05356.
gnomAD v4.1: 9,221 of 356,860 alleles (2.6%); highest among the groups gnomAD compares: South Asian, 13%; 260 homozygotes.

Submission:

GeneDx
Classification: Likely benign. Last evaluated: 2018-06-14. Review status: criteria provided, single submitter. Criteria: GeneDx Variant Classification (06012015). Collection method: clinical testing. Allele origin: germline. Affected: yes.
Comment: This variant is considered likely benign or benign based on one or more of the following criteria: it is a conservative change, it occurs at a poorly conserved position in the protein, it is predicted to be benign by multiple in silico algorithms, and/or has population frequency not consistent with disease.